The following is an entry in ClinVar:

ClinVar aggregate classification (germline): Uncertain significance (1 of 4 stars; one submission).

Submission:

GeneDx
Classification: Uncertain significance. Last evaluated: 2023-08-02. Review status: criteria provided, single submitter. Criteria: GeneDx Variant Classification Process June 2021. Collection method: clinical testing. Allele origin: germline. Affected: yes.
Comment: Not observed at significant frequency in large population cohorts (gnomAD); In silico analysis supports that this missense variant has a deleterious effect on protein structure/function; Has not been previously published as pathogenic or benign to our knowledge

NM_001378974.1(FBXW11):c.1179C>G (p.Asp393Glu)

Gene: FBXW11 (F-box and WD repeat domain containing 11; minus strand). Cytogenetic location: 5q35.1.
Variant type: single nucleotide variant.
Coding change: c.1179C>G on transcript NM_001378974.1 (MANE Select); coding-DNA position 1179, C replaced by G.
Protein change: p.Asp393Glu; replaces aspartic acid 393 with glutamic acid.
Molecular consequence: missense variant.
Genome position (GRCh38, 1-based): chr5:171,876,327, G>C on the plus strand (C>G on the coding strand, the complement: FBXW11 is on the minus strand). VCF-style: chr5-171876327-G-C. GRCh37 (hg19) VCF-style: chr5-171303331-G-C.
Other names: c.1110C>G, p.Asp370Glu (NM_001378975.1); c.1083C>G, p.Asp361Glu (NM_001378976.1); c.1020C>G, p.Asp340Glu (NM_001378977.1, NM_001378978.1, NM_001378979.1); c.1014C>G, p.Asp338Glu (NM_001378980.1, NM_033645.3); c.1116C>G, p.Asp372Glu (NM_012300.3); c.1077C>G, p.Asp359Glu (NM_033644.3); short protein forms D338E, D340E, D359E, D361E, D370E, D372E, D393E.
Identifiers: ClinVar variation 3361476 (VCV003361476.1).